The following is an entry in ClinVar:

ClinVar aggregate classification (germline): Pathogenic. Review status: criteria provided, multiple submitters, no conflicts (2 of 4 stars). 4 submissions from 4 submitters: Pathogenic (4). Last evaluated 2025-07-18.

Conditions:
Mowat-Wilson syndrome (MOWS). Also called: Classic Mowat-Wilson Syndrome. Identifiers: Orphanet 2152, MedGen C1856113, MONDO:0009341, OMIM 235730.

Submissions (4):

3billion
Classification: Pathogenic for Mowat-Wilson syndrome. Last evaluated: 2025-07-18. Review status: criteria provided, single submitter. Criteria: ACMG Guidelines, 2015. Collection method: clinical testing. Allele origin: germline. Affected: yes.
Comment: The variant is not observed in the gnomAD v4.1.0 dataset. Predicted Consequence/Location: Stop-gained (nonsense): predicted to result in a loss or disruption of normal protein function through nonsense-mediated decay (NMD) or protein truncation. Multiple pathogenic variants are reported downstream of the variant. The variant has been reported at least twice as pathogenic with clinical assertions and evidence for the classification (ClinVar ID: VCV000095620 /PMID: 12784289). Therefore, this variant is classified as Pathogenic according to the recommendation of ACMG/AMP guideline.

Genome-Nilou Lab
Classification: Pathogenic for Mowat-Wilson syndrome. Last evaluated: 2021-11-07. Review status: criteria provided, single submitter. Criteria: ACMG Guidelines, 2015. Collection method: clinical testing. Allele origin: germline. Affected: no.

Labcorp Genetics (formerly Invitae), Labcorp
Classification: Pathogenic for Mowat-Wilson syndrome. Last evaluated: 2020-01-23. Review status: criteria provided, single submitter. Criteria: Invitae Variant Classification Sherloc (09022015). Collection method: clinical testing. Allele origin: germline.
Comment: For these reasons, this variant has been classified as Pathogenic. Loss-of-function variants in ZEB2 are known to be pathogenic (PMID: 16053902). This variant has been observed in individual(s) with clinical features of Mowat-Wilson syndrome (PMID: 12784289, 24092421). ClinVar contains an entry for this variant (Variation ID: 95620). This variant is not present in population databases (ExAC no frequency). This sequence change creates a premature translational stop signal (p.Gln461*) in the ZEB2 gene. It is expected to result in an absent or disrupted protein product.

Eurofins Ntd Llc (ga)
Classification: Pathogenic. Last evaluated: 2012-08-10. Review status: criteria provided, single submitter. Criteria: EGL Classification Definitions 2015. Collection method: clinical testing. Allele origin: germline. Observed: 1 variant allele, 1 heterozygote.

Literature cited by the submitters: PubMed 12784289 (cited by 3billion and Labcorp Genetics (formerly Invitae), Labcorp); PubMed 16053902 (cited by Labcorp Genetics (formerly Invitae), Labcorp); PubMed 24092421 (cited by Labcorp Genetics (formerly Invitae), Labcorp).

NM_014795.4(ZEB2):c.1381C>T (p.Gln461Ter)

Gene: ZEB2 (zinc finger E-box binding homeobox 2; minus strand). Cytogenetic location: 2q22.3.
Variant type: single nucleotide variant.
Coding change: c.1381C>T on transcript NM_014795.4 (MANE Select); coding-DNA position 1381, C replaced by T.
Protein change: p.Gln461Ter; replaces glutamine 461 with a stop codon.
Molecular consequence: nonsense.
Genome position (GRCh38, 1-based): chr2:144,399,806, G>A on the plus strand (C>T on the coding strand, the complement: ZEB2 is on the minus strand). VCF-style: chr2-144399806-G-A. GRCh37 (hg19) VCF-style: chr2-145157373-G-A.
Other names: c.1309C>T, p.Gln437Ter (NM_001171653.2); short protein forms Q461*, Q437*.
Identifiers: ClinVar variation 95620 (VCV000095620.17), dbSNP rs398124274, ClinGen allele CA267207.
Genomic context (GRCh38, chr2:144,399,806, plus strand): 5'-CAGCCTTGCAGTCCATTTTTTGCCTGGAAACAGTATTGTCCACAATCTGTAGAACCTTTT[G>A]TACCTCACTTAAATTACTATTCATGGTGGGAAACCCAAGTAAAGGGGCTTCCATCCCTAC-3'